The following is an entry in ClinVar:

NM_003482.4(KMT2D):c.9763C>T (p.His3255Tyr)

Gene: KMT2D (lysine methyltransferase 2D; minus strand). Cytogenetic location: 12q13.12.
Variant type: single nucleotide variant.
Coding change: c.9763C>T on transcript NM_003482.4 (MANE Select); coding-DNA position 9763, C replaced by T.
Protein change: p.His3255Tyr; replaces histidine 3255 with tyrosine.
Molecular consequence: missense variant.
Genome position (GRCh38, 1-based): chr12:49,037,593, G>A on the plus strand (C>T on the coding strand, the complement: KMT2D is on the minus strand). VCF-style: chr12-49037593-G-A. GRCh37 (hg19) VCF-style: chr12-49431376-G-A.
Other names: short protein forms H3255Y.
Identifiers: ClinVar variation 2760370 (VCV002760370.3), dbSNP rs2120482426, ClinGen allele CA384736388.

ClinVar aggregate classification (germline): Uncertain significance (1 of 4 stars; one submission).

Conditions:
Kabuki syndrome. Also called: NIIKAWA-KUROKI SYNDROME; Kabuki make-up syndrome. Identifiers: Orphanet 2322, MedGen C0796004, MONDO:0016512.

Submission:

Labcorp Genetics (formerly Invitae), Labcorp
Classification: Uncertain significance for Kabuki syndrome. Last evaluated: 2023-09-12. Review status: criteria provided, single submitter. Criteria: Invitae Variant Classification Sherloc (09022015). Collection method: clinical testing. Allele origin: germline.
Comment: This sequence change replaces histidine, which is basic and polar, with tyrosine, which is neutral and polar, at codon 3255 of the KMT2D protein (p.His3255Tyr). This variant is not present in population databases (gnomAD no frequency). This variant has not been reported in the literature in individuals affected with KMT2D-related conditions. Advanced modeling of protein sequence and biophysical properties (such as structural, functional, and spatial information, amino acid conservation, physicochemical variation, residue mobility, and thermodynamic stability) performed at Invitae indicates that this missense variant is not expected to disrupt KMT2D protein function. In summary, the available evidence is currently insufficient to determine the role of this variant in disease. Therefore, it has been classified as a Variant of Uncertain Significance.